The following is an entry in ClinVar:

ClinVar aggregate classification (germline): Benign. Review status: criteria provided, single submitter (1 of 4 stars). 2 submissions from 2 submitters: Benign (1). 1 of the submissions does not count toward it. Last evaluated 2026-01-24.

Conditions:
Congenital disorder of deglycosylation (CDDG). Identifiers: MedGen C3808991, MONDO:0031376.
NGLY1-related disorder. Also called: NGLY1-related condition.

Allele frequency attached by ClinVar (database versions not stated): 1000 Genomes Project 0.00020; 1000 Genomes Project 30x 0.00031; ExAC 0.00035; ESP Exome Variant Server 0.00092; gnomAD 0.00102 and 0.00116; TOPMed 0.00107.
gnomAD v4.1: 250 of 1,549,130 alleles (0.016%); highest among the groups gnomAD compares: African/African-American, 0.31%; 1 homozygote.

Submissions (2):

Labcorp Genetics (formerly Invitae), Labcorp
Classification: Benign for Congenital disorder of deglycosylation. Last evaluated: 2026-01-24. Review status: criteria provided, single submitter. Criteria: Invitae Variant Classification Sherloc (09022015). Collection method: clinical testing. Allele origin: germline.

PreventionGenetics, part of Exact Sciences
Classification: Likely benign for NGLY1-related condition. Last evaluated: 2022-08-11. Review status: no assertion criteria provided. Collection method: clinical testing. Allele origin: germline. Not counted in ClinVar's aggregate classification.
Comment: This variant is classified as likely benign based on ACMG/AMP sequence variant interpretation guidelines (Richards et al. 2015 PMID: 25741868, with internal and published modifications).

NM_018297.4(NGLY1):c.246+8T>A

Gene: NGLY1 (N-glycanase 1; minus strand). Cytogenetic location: 3p24.2.
Variant type: single nucleotide variant.
Coding change: c.246+8T>A on transcript NM_018297.4 (MANE Select); 8 bases into the intron after coding-DNA position 246, T replaced by A.
Molecular consequence: intron variant.
Genome position (GRCh38, 1-based): chr3:25,778,566, A>T on the plus strand (T>A on the coding strand, the complement: NGLY1 is on the minus strand). VCF-style: chr3-25778566-A-T. GRCh37 (hg19) VCF-style: chr3-25820057-A-T.
Other names: c.120+8T>A (NM_001145294.2); c.246+8T>A (NM_001145295.2, NM_001145293.2).
Identifiers: ClinVar variation 474222 (VCV000474222.13), dbSNP rs373747843, ClinGen allele CA2289546.